The following is an entry in ClinVar:

ClinVar aggregate classification (germline): Uncertain significance. Review status: criteria provided, multiple submitters, no conflicts (2 of 4 stars). 2 submissions from 2 submitters: Uncertain significance (2). Last evaluated 2024-05-14.

Conditions:
Inborn genetic diseases. Identifiers: MedGen C0950123, MeSH D030342.
Hyperaldosteronism, familial, type IV (HALD4). Also called: FH IV; ALDOSTERONISM, PRIMARY, AND HYPERTENSION. Identifiers: Orphanet 642671, MedGen C4310756, MONDO:0014875, OMIM 617027.
Idiopathic generalized epilepsy. Also called: Generalised epilepsy; EIG. Identifiers: MedGen C0270850, MONDO:0005579, OMIM 600669.

Submissions (2):

Labcorp Genetics (formerly Invitae), Labcorp
Classification: Uncertain significance for Idiopathic generalized epilepsy; Hyperaldosteronism, familial, type IV. Last evaluated: 2024-05-14. Review status: criteria provided, single submitter. Criteria: Invitae Variant Classification Sherloc (09022015). Collection method: clinical testing. Allele origin: germline.
Comment: This sequence change replaces leucine, which is neutral and non-polar, with phenylalanine, which is neutral and non-polar, at codon 1451 of the CACNA1H protein (p.Leu1451Phe). This variant is not present in population databases (gnomAD no frequency). This variant has not been reported in the literature in individuals affected with CACNA1H-related conditions. ClinVar contains an entry for this variant (Variation ID: 2233195). An algorithm developed to predict the effect of missense changes on protein structure and function (PolyPhen-2) suggests that this variant is likely to be disruptive. In summary, the available evidence is currently insufficient to determine the role of this variant in disease. Therefore, it has been classified as a Variant of Uncertain Significance.

Ambry Genetics
Classification: Uncertain significance for Inborn genetic diseases. Last evaluated: 2021-06-18. Review status: criteria provided, single submitter. Criteria: Ambry Variant Classification Scheme 2023. Collection method: clinical testing. Allele origin: germline.

NM_021098.3(CACNA1H):c.4351C>T (p.Leu1451Phe)

Gene: CACNA1H (calcium voltage-gated channel subunit alpha1 H; plus strand). Cytogenetic location: 16p13.3.
Variant type: single nucleotide variant.
Coding change: c.4351C>T on transcript NM_021098.3 (MANE Select); coding-DNA position 4351, C replaced by T.
Protein change: p.Leu1451Phe; replaces leucine 1451 with phenylalanine.
Molecular consequence: missense variant.
Genome position (GRCh38, 1-based): chr16:1,211,481, C>T. VCF-style: chr16-1211481-C-T. GRCh37 (hg19) VCF-style: chr16-1261481-C-T.
Other names: c.4351C>T, p.Leu1451Phe (NM_001005407.2); short protein forms L1451F.
Identifiers: ClinVar variation 2233195 (VCV002233195.4), dbSNP rs2548705176, ClinGen allele CA394178737.